The following is an entry in ClinVar:

ClinVar aggregate classification (germline): Pathogenic/Likely pathogenic. Review status: criteria provided, multiple submitters, no conflicts (2 of 4 stars). 4 submissions from 4 submitters: Pathogenic (1); Likely pathogenic (3). Last evaluated 2024-07-29.

Conditions:
MPI-congenital disorder of glycosylation. Also called: CDG Ib; MANNOSEPHOSPHATE ISOMERASE DEFICIENCY; MPI DEFICIENCY; CONGENITAL DISORDER OF GLYCOSYLATION, TYPE Ib; MPI-CDG; PROTEIN-LOSING ENTEROPATHY-HEPATIC FIBROSIS SYNDROME. Identifiers: Orphanet 79319, MedGen C1865145, MONDO:0011257, OMIM 602579.

Submissions (4):

Natera, Inc.
Classification: Likely pathogenic for Congenital disorder of glycosylation type 1b. Last evaluated: 2024-07-29. Review status: criteria provided, single submitter. Criteria: Natera Variant Classification Schema (03/2026). Collection method: clinical testing. Allele origin: germline.
Comment: The c.1064_1065delCT variant in MPI is a frameshift variant predicted to shift the reading frame beginning at codon 355 and leads to a stop codon 3 codons downstream. This variant is expected to result in nonsense mediated decay, truncation, or a dysfunctional protein product. This variant is rare in the general population with a frequency below the threshold expected for the associated phenotype(s). Given the available evidence, this variant is classified as Likely Pathogenic.

Baylor Genetics
Classification: Likely pathogenic for MPI-congenital disorder of glycosylation. Last evaluated: 2024-02-10. Review status: criteria provided, single submitter. Criteria: ACMG Guidelines, 2015. Collection method: clinical testing. Allele origin: unknown.

Labcorp Genetics (formerly Invitae), Labcorp
Classification: Pathogenic for MPI-congenital disorder of glycosylation. Last evaluated: 2021-10-24. Review status: criteria provided, single submitter. Criteria: Invitae Variant Classification Sherloc (09022015). Collection method: clinical testing. Allele origin: germline.
Comment: For these reasons, this variant has been classified as Pathogenic. This variant disrupts a region of the MPI protein in which other variant(s) (p.Ala363Hisfs*9) have been determined to be pathogenic (Invitae). This suggests that this is a clinically significant region of the protein, and that variants that disrupt it are likely to be disease-causing. This variant has not been reported in the literature in individuals affected with MPI-related conditions. This variant is not present in population databases (ExAC no frequency). This sequence change creates a premature translational stop signal (p.Ser355Cysfs*3) in the MPI gene. While this is not anticipated to result in nonsense mediated decay, it is expected to disrupt the last 69 amino acid(s) of the MPI protein.

CeGaT Center for Human Genetics Tuebingen
Classification: Likely pathogenic. Last evaluated: 2020-08-01. Review status: criteria provided, single submitter. Criteria: CeGaT Center For Human Genetics Tuebingen Variant Classification Criteria Version 2. Collection method: clinical testing. Allele origin: germline. Affected: yes. Observed: 1 variant allele.

NM_002435.3(MPI):c.1064_1065del (p.Ser355fs)

Gene: MPI (mannose phosphate isomerase; plus strand). Cytogenetic location: 15q24.1.
Variant type: Microsatellite.
Coding change: c.1064_1065del on transcript NM_002435.3 (MANE Select); coding-DNA positions 1064 to 1065, 2 bases deleted (CT; older notation c.1064_1065delCT).
Protein change: p.Ser355fs; shifts the reading frame from serine 355.
Molecular consequence: frameshift variant.
Genome position (GRCh38, 1-based): chr15:74,897,522-74,897,523, CT deleted; deleting any 2 consecutive bases within chr15:74,897,520-74,897,523 gives the same sequence; the c. name uses the placement nearest the transcript's 3' end. VCF-style (leftmost placement, unchanged base first): chr15-74897519-GCT-G. GRCh37 (hg19) VCF-style: chr15-75189860-GCT-G.
Other names: c.855_856del, p.Cys286fs (NM_001289155.2); c.914_915del, p.Ser305fs (NM_001289156.2); c.881_882del, p.Ser294fs (NM_001289157.2); c.1004_1005del, p.Ser335fs (NM_001330372.2); c.1064_1065delCT (NM_002435.2); short protein forms C286fs, S294fs, S305fs, S335fs, S355fs.
Identifiers: ClinVar variation 1012858 (VCV001012858.45), dbSNP rs2064839839, ClinGen allele CA971521867.
Genomic context (GRCh38, chr15:74,897,519, plus strand): 5'-GCTGATGAGAGCAGAGTCTGAGCTGCACTGCCTTATCATTTCTTCCTGCCCAGGTCCCTG[GCT>G]CTGTCACTGAATACAAGGTCTTGGCACTGGACTCTGCCAGCATCCTCCTGATGGTACAGG-3'